The following is an entry in ClinVar:

ClinVar aggregate classification (germline): Uncertain significance. Review status: criteria provided, multiple submitters, no conflicts (2 of 4 stars). 3 submissions from 3 submitters: Uncertain significance (3). Last evaluated 2024-06-17.

Conditions:
Hereditary sensory neuropathy-deafness-dementia syndrome. Also called: Hereditary sensory neuropathy type IE; Hereditary Sensory and Autonomic Neuropathy Type 1E (HSAN1E); HSN IE; NEUROPATHY, HEREDITARY SENSORY, WITH HEARING LOSS AND DEMENTIA. Identifiers: Orphanet 456318, MedGen C3279885, MONDO:0013584, OMIM 614116.
Inborn genetic diseases. Identifiers: MedGen C0950123, MeSH D030342.

Allele frequency attached by ClinVar (database versions not stated): gnomAD 0.00001; gnomAD exomes 0.00001; TOPMed 0.00001; ExAC 0.00002.
gnomAD v4.1: 20 of 1,613,970 alleles (0.0012%); highest among the groups gnomAD compares: South Asian, 0.0022%; no homozygotes.

Submissions (3):

Women's Health and Genetics/Laboratory Corporation of America, LabCorp
Classification: Uncertain significance. Last evaluated: 2024-06-17. Review status: criteria provided, single submitter. Criteria: LabCorp Variant Classification Summary - May 2015. Collection method: clinical testing. Allele origin: germline.
Comment: Variant summary: DNMT1 c.2807G>A (p.Arg936Gln) results in a conservative amino acid change located in the Bromo adjacent homology (BAH) domain (IPR001025) of the encoded protein sequence. Five of five in-silico tools predict a benign effect of the variant on protein function. The variant allele was found at a frequency of 8e-06 in 251388 control chromosomes. The available data on variant occurrences in the general population are insufficient to allow any conclusion about variant significance. To our knowledge, no occurrence of c.2807G>A in individuals affected with Hereditary Sensory Neuropathy-Deafness Syndrome and no experimental evidence demonstrating its impact on protein function have been reported. ClinVar contains an entry for this variant (Variation ID: 327898). Based on the evidence outlined above, the variant was classified as uncertain significance.

Ambry Genetics
Classification: Uncertain significance for Inborn genetic diseases. Last evaluated: 2022-07-07. Review status: criteria provided, single submitter. Criteria: Ambry Variant Classification Scheme 2023. Collection method: clinical testing. Allele origin: germline.
Comment: The p.R920Q variant (also known as c.2759G>A), located in coding exon 27 of the DNMT1 gene, results from a G to A substitution at nucleotide position 2759. The arginine at codon 920 is replaced by glutamine, an amino acid with highly similar properties. This amino acid position is not well conserved in available vertebrate species. In addition, this alteration is predicted to be tolerated by in silico analysis. Since supporting evidence is limited at this time, the clinical significance of this alteration remains unclear.

Labcorp Genetics (formerly Invitae), Labcorp
Classification: Uncertain significance for Hereditary sensory neuropathy-deafness-dementia syndrome. Last evaluated: 2021-08-26. Review status: criteria provided, single submitter. Criteria: Invitae Variant Classification Sherloc (09022015). Collection method: clinical testing. Allele origin: germline.
Comment: This sequence change replaces arginine with glutamine at codon 936 of the DNMT1 protein (p.Arg936Gln). The arginine residue is moderately conserved and there is a small physicochemical difference between arginine and glutamine. This variant is present in population databases (rs763321599, ExAC 0.01%). This variant has not been reported in the literature in individuals affected with DNMT1-related conditions. ClinVar contains an entry for this variant (Variation ID: 327898). Algorithms developed to predict the effect of missense changes on protein structure and function are either unavailable or do not agree on the potential impact of this missense change (SIFT: "Deleterious"; PolyPhen-2: "Benign"; Align-GVGD: "Class C0"). In summary, the available evidence is currently insufficient to determine the role of this variant in disease. Therefore, it has been classified as a Variant of Uncertain Significance.

NM_001130823.3(DNMT1):c.2807G>A (p.Arg936Gln)

Gene: DNMT1 (DNA methyltransferase 1; minus strand). Cytogenetic location: 19p13.2.
Variant type: single nucleotide variant.
Coding change: c.2807G>A on transcript NM_001130823.3 (MANE Select); coding-DNA position 2807, G replaced by A.
Protein change: p.Arg936Gln; replaces arginine 936 with glutamine.
Molecular consequence: missense variant.
Genome position (GRCh38, 1-based): chr19:10,146,438, C>T on the plus strand (G>A on the coding strand, the complement: DNMT1 is on the minus strand). VCF-style: chr19-10146438-C-T. GRCh37 (hg19) VCF-style: chr19-10257114-C-T.
Other names: c.2759G>A, p.Arg920Gln (NM_001318730.2, NM_001379.4); c.2444G>A, p.Arg815Gln (NM_001318731.2); c.2807G>A (LRG_362t1); short protein forms R936Q, R920Q, R815Q.
Identifiers: ClinVar variation 327898 (VCV000327898.13), dbSNP rs763321599, ClinGen allele CA9187934.